The following is an entry in ClinVar:

ClinVar aggregate classification (germline): Uncertain significance (1 of 4 stars; one submission).

Conditions:
PCNT-related disorder. Also called: PCNT-related condition.

Submission:

PreventionGenetics, part of Exact Sciences
Classification: Uncertain significance for PCNT-related condition. Last evaluated: 2025-04-24. Review status: criteria provided, single submitter. Criteria: ACMG Guidelines, 2015. Collection method: clinical testing. Allele origin: germline.
Comment: The PCNT c.5055G>A variant is predicted to result in the amino acid substitution p.Met1685Ile. To our knowledge, this variant has not been reported in the literature or in a large population database (gnomAD), indicating this variant is rare. At this time, the clinical significance of this variant is uncertain due to the absence of conclusive functional and genetic evidence.

NM_006031.6(PCNT):c.5055G>A (p.Met1685Ile)

Gene: PCNT (pericentrin; plus strand). Cytogenetic location: 21q22.3.
Variant type: single nucleotide variant.
Coding change: c.5055G>A on transcript NM_006031.6 (MANE Select); coding-DNA position 5055, G replaced by A.
Protein change: p.Met1685Ile; replaces methionine 1685 with isoleucine.
Molecular consequence: missense variant.
Genome position (GRCh38, 1-based): chr21:46,402,423, G>A. VCF-style: chr21-46402423-G-A. GRCh37 (hg19) VCF-style: chr21-47822337-G-A.
Other names: c.4701G>A, p.Met1567Ile (NM_001315529.2); short protein forms M1685I, M1567I.
Identifiers: ClinVar variation 5002238 (VCV005002238.1).